The following is an entry in ClinVar:

NM_001846.4(COL4A2):c.1570G>A (p.Gly524Ser)

Genes: COL4A2 (collagen type IV alpha 2 chain; plus strand), COL4A2-AS2 (COL4A2 antisense RNA 2; minus strand). Cytogenetic location: 13q34.
Variant type: single nucleotide variant.
Coding change: c.1570G>A on transcript NM_001846.4 (MANE Select); coding-DNA position 1570, G replaced by A.
Protein change: p.Gly524Ser; replaces glycine 524 with serine.
Molecular consequence: missense variant.
Genome position (GRCh38, 1-based): chr13:110,458,908, G>A. VCF-style: chr13-110458908-G-A. GRCh37 (hg19) VCF-style: chr13-111111255-G-A.
Other names: short protein forms G524S.
Identifiers: ClinVar variation 881612 (VCV000881612.7), dbSNP rs773783775, ClinGen allele CA7049624.

ClinVar aggregate classification (germline): Conflicting classifications of pathogenicity. Review status: criteria provided, conflicting classifications (1 of 4 stars). 2 submissions from 2 submitters: Uncertain significance (1); Likely benign (1). Last evaluated 2023-03-03.

Conditions:
Brain small vessel disease 2A, autosomal dominant. Also called: Porencephaly 2. Identifiers: Orphanet 2940, Orphanet 99810, MedGen C3280970, MONDO:0013773, OMIM 614483.

Allele frequency attached by ClinVar (database versions not stated): TOPMed 0.00002; ExAC 0.00003; gnomAD exomes 0.00003; gnomAD 0.00004.
gnomAD v4.1: 44 of 1,586,662 alleles (0.0028%); highest among the groups gnomAD compares: African/African-American, 0.0027%; no homozygotes.

Submissions (2):

Labcorp Genetics (formerly Invitae), Labcorp
Classification: Uncertain significance. Last evaluated: 2023-03-03. Review status: criteria provided, single submitter. Criteria: Invitae Variant Classification Sherloc (09022015). Collection method: clinical testing. Allele origin: germline.
Comment: ClinVar contains an entry for this variant (Variation ID: 881612). In summary, the available evidence is currently insufficient to determine the role of this variant in disease. Therefore, it has been classified as a Variant of Uncertain Significance. Advanced modeling of protein sequence and biophysical properties (such as structural, functional, and spatial information, amino acid conservation, physicochemical variation, residue mobility, and thermodynamic stability) has been performed at Invitae for this missense variant, however the output from this modeling did not meet the statistical confidence thresholds required to predict the impact of this variant on COL4A2 protein function. This missense change has been observed in individual(s) with clinical features of COL4A2-related conditions (PMID: 32154576). The frequency data for this variant in the population databases is considered unreliable, as metrics indicate poor data quality at this position in the gnomAD database. This sequence change replaces glycine, which is neutral and non-polar, with serine, which is neutral and polar, at codon 524 of the COL4A2 protein (p.Gly524Ser).

Illumina Laboratory Services, Illumina
Classification: Likely benign for Brain small vessel disease 2A, autosomal dominant. Last evaluated: 2018-01-13. Review status: criteria provided, single submitter. Criteria: ICSL Variant Classification Criteria 13 December 2019. Collection method: clinical testing. Allele origin: germline.
Comment: This variant was observed in the ICSL laboratory as part of a predisposition screen in an ostensibly healthy population. It had not been previously curated by ICSL or reported in the Human Gene Mutation Database (HGMD: prior to June 1st, 2018), and was therefore a candidate for classification through an automated scoring system. Utilizing variant allele frequency, disease prevalence and penetrance estimates, and inheritance mode, an automated score was calculated to assess if this variant is too frequent to cause the disease. Based on the score and internal cut-off values, a variant classified as likely benign is not then subjected to further curation. The score for this variant resulted in a classification of likely benign for this disease.

Literature cited by the submitters: PubMed 32154576 (cited by Labcorp Genetics (formerly Invitae), Labcorp).